The following is an entry in ClinVar:

ClinVar aggregate classification (germline): Uncertain significance. Review status: criteria provided, multiple submitters, no conflicts (2 of 4 stars). 2 submissions from 2 submitters: Uncertain significance (2). Last evaluated 2024-09-21.

Conditions:
Charcot-Marie-Tooth disease dominant intermediate B (CMTDIB). Also called: Charcot-Marie-Tooth disease dominant intermediate 1; CMT DI1; Charcot-Marie-Tooth disease dominant intermediate I; CHARCOT-MARIE-TOOTH NEUROPATHY, DOMINANT INTERMEDIATE B. Identifiers: Orphanet 100044, Orphanet 228179, MedGen C1847902, MONDO:0011674, OMIM 606482.

Allele frequency attached by ClinVar (database versions not stated): gnomAD exomes below 0.00001 and 0.00001; gnomAD 0.00001.
gnomAD v4.1: 5 of 1,614,108 alleles (0.00031%); highest among the groups gnomAD compares: Non-Finnish European, 0.00042%; no homozygotes.

Submissions (2):

Labcorp Genetics (formerly Invitae), Labcorp
Classification: Uncertain significance for Charcot-Marie-Tooth disease dominant intermediate B. Last evaluated: 2024-09-21. Review status: criteria provided, single submitter. Criteria: Invitae Variant Classification Sherloc (09022015). Collection method: clinical testing. Allele origin: germline.
Comment: This sequence change replaces alanine, which is neutral and non-polar, with threonine, which is neutral and polar, at codon 665 of the DNM2 protein (p.Ala665Thr). This variant is present in population databases (no rsID available, gnomAD 0.002%). This variant has not been reported in the literature in individuals affected with DNM2-related conditions. ClinVar contains an entry for this variant (Variation ID: 804752). Invitae Evidence Modeling of protein sequence and biophysical properties (such as structural, functional, and spatial information, amino acid conservation, physicochemical variation, residue mobility, and thermodynamic stability) has been performed for this missense variant. However, the output from this modeling did not meet the statistical confidence thresholds required to predict the impact of this variant on DNM2 protein function. In summary, the available evidence is currently insufficient to determine the role of this variant in disease. Therefore, it has been classified as a Variant of Uncertain Significance.

Athena Diagnostics
Classification: Uncertain significance. Last evaluated: 2018-12-05. Review status: criteria provided, single submitter. Criteria: Athena Diagnostics Criteria. Collection method: clinical testing. Allele origin: germline.

NM_001005361.3(DNM2):c.1993G>A (p.Ala665Thr)

Gene: DNM2 (dynamin 2; plus strand). Cytogenetic location: 19p13.2.
Variant type: single nucleotide variant.
Coding change: c.1993G>A on transcript NM_001005361.3 (MANE Select); coding-DNA position 1993, G replaced by A.
Protein change: p.Ala665Thr; replaces alanine 665 with threonine.
Molecular consequence: missense variant.
Genome position (GRCh38, 1-based): chr19:10,825,156, G>A. VCF-style: chr19-10825156-G-A. GRCh37 (hg19) VCF-style: chr19-10935832-G-A.
Other names: c.1993G>A, p.Ala665Thr (NM_001005360.3, NM_001190716.2); c.1981G>A, p.Ala661Thr (NM_001005362.3, NM_004945.4); short protein forms A661T, A665T.
Identifiers: ClinVar variation 804752 (VCV000804752.3), dbSNP rs1262634479, ClinGen allele CA404041561.
Genomic context (GRCh38, chr19:10,825,156, plus strand): 5'-ATGGACCCCCAACTGGAGCGGCAGGTGGAGACCATTCGCAACCTGGTGGACTCATACGTG[G>A]CCATCATCAACAAGTCCATCCGCGACCTCATGCCAAAGACCATCATGCACCTCATGATCA-3'
Protein context (NP_001005361.1, residues 655-675): TIRNLVDSYV[Ala665Thr]IINKSIRDLM